The following is an entry in ClinVar:

NM_025152.3(NUBPL):c.313G>T (p.Asp105Tyr)

Gene: NUBPL (NUBP iron-sulfur cluster assembly factor, mitochondrial; plus strand). Cytogenetic location: 14q12.
Variant type: single nucleotide variant.
Coding change: c.313G>T on transcript NM_025152.3 (MANE Select); coding-DNA position 313, G replaced by T.
Protein change: p.Asp105Tyr; replaces aspartic acid 105 with tyrosine.
Molecular consequence: missense variant. On other transcripts: non-coding transcript variant (1).
Genome position (GRCh38, 1-based): chr14:31,599,310, G>T. VCF-style: chr14-31599310-G-T. GRCh37 (hg19) VCF-style: chr14-32068516-G-T.
Other names: c.25G>T, p.Asp9Tyr (NM_001201573.2); short protein forms D105Y, D9Y.
Identifiers: ClinVar variation 50215 (VCV000050215.8), dbSNP rs397515440, ClinGen allele CA143708.

ClinVar aggregate classification (germline): Conflicting classifications of pathogenicity. Review status: criteria provided, conflicting classifications (1 of 4 stars). 5 submissions from 5 submitters: Pathogenic (1); Likely pathogenic (2); Uncertain significance (1). 1 of the submissions does not count toward it. Last evaluated 2025-07-10.

Conditions:
Mitochondrial complex I deficiency, nuclear type 21. Also called: Mitochondrial complex 1 deficiency, nuclear type 21. Identifiers: MedGen C4748792, MONDO:0032625, OMIM 618242.
Inborn genetic diseases. Identifiers: MedGen C0950123, MeSH D030342.

Allele frequency attached by ClinVar (database versions not stated): ExAC 0.00001; gnomAD exomes 0.00002 and 0.00005; gnomAD 0.00003; TOPMed 0.00006.

Submissions (5):

Variantyx, Inc.
Classification: Likely pathogenic for Mitochondrial complex I deficiency, nuclear type 21. Last evaluated: 2025-07-10. Review status: criteria provided, single submitter. Criteria: Variantyx Assertion Criteria 2022. Collection method: clinical testing. Allele origin: germline. Inheritance: Autosomal recessive inheritance.
Comment: This is a nonsynonymous variant in the NUBPL gene (OMIM: 613621). Pathogenic variants in this gene have been associated with autosomal recessive mitochondrial complex I deficiency nuclear type 21. This variant has been identified in the homozygous or compound heterozygous state in at least 4 individuals reported in the published literature (PMID: 29982452, 23553477) (PM3). Functional studies have shown that this variant alters NUBPL protein function (PMID: 29982452, 23553477) (PS3_Moderate), and multiple computational algorithms predict a deleterious effect for this variant (REVEL score: 0.711) (PP3). This variant has a 0.0059% maximum allele frequency in non-founder control populations (PM2). Based on the current evidence, this variant is classified as likely pathogenic for autosomal recessive mitochondrial complex I deficiency nuclear type 21.

GeneDx
Classification: Pathogenic. Last evaluated: 2024-11-20. Review status: criteria provided, single submitter. Criteria: GeneDx Variant Classification Process June 2021. Collection method: clinical testing. Allele origin: germline. Affected: yes.
Comment: Published functional studies found this variant is associated with significantly reduced mitochondrial complex I activity (PMID: 29982452); Not observed at significant frequency in large population cohorts (gnomAD); In silico analysis supports that this missense variant has a deleterious effect on protein structure/function; This variant is associated with the following publications: (PMID: 30897263, 36868263, 25245479, 35883565, 27597947, 31787496, 23553477, 29982452)

Undiagnosed Diseases Network, NIH
Classification: Uncertain significance for Mitochondrial complex I deficiency, nuclear type 21. Last evaluated: 2020-08-24. Review status: criteria provided, single submitter. Criteria: ACMG Guidelines, 2015. Collection method: clinical testing. Allele origin: maternal. Inheritance: Autosomal recessive inheritance. Affected: yes. Observed: 1 variant allele, 1 compound heterozygote. Study: Undiagnosed Diseases Network (NIH), UDN.

Ambry Genetics
Classification: Likely pathogenic for Inborn genetic diseases. Last evaluated: 2017-06-22. Review status: criteria provided, single submitter. Criteria: Ambry exome assertion method (8-5-2015). Collection method: clinical testing. Allele origin: germline. Affected: yes. Observed: 1 variant allele.

OMIM
Classification: Pathogenic for MITOCHONDRIAL COMPLEX I DEFICIENCY, NUCLEAR TYPE 21. Last evaluated: 2013-04-23. Review status: no assertion criteria provided. Collection method: literature only. Allele origin: germline. Not counted in ClinVar's aggregate classification.

Literature cited by the submitters: PubMed 29982452 (cited by Variantyx, Inc.); PubMed 23553477 (cited by 3 submitters).